The following is an entry in ClinVar:

ClinVar aggregate classification (germline): Uncertain significance. Review status: criteria provided, multiple submitters, no conflicts (2 of 4 stars). 2 submissions from 2 submitters: Uncertain significance (2). Last evaluated 2025-06-29.

Conditions:
Angelman syndrome (AS). Also called: HAPPY PUPPET SYNDROME. Identifiers: Orphanet 72, MedGen C0162635, MONDO:0007113, OMIM 105830. Disease mechanism: loss of function. Inheritance: AS is caused by disruption of maternally imprinted UBE3A located within the 15q11.2-q13 Angelman syndrome/Prader-Willi syndrome (AS/PWS) region., imprinting disorder.

Allele frequency attached by ClinVar (database versions not stated): gnomAD exomes below 0.00001 and 0.00002; TOPMed below 0.00001; ExAC 0.00002.
gnomAD v4.1: 4 of 1,614,156 alleles (0.00025%); highest among the groups gnomAD compares: East Asian, 0.0045%; no homozygotes.

Submissions (2):

Labcorp Genetics (formerly Invitae), Labcorp
Classification: Uncertain significance for Angelman syndrome. Last evaluated: 2025-06-29. Review status: criteria provided, single submitter. Criteria: Invitae Variant Classification Sherloc (09022015). Collection method: clinical testing. Allele origin: germline.
Comment: This sequence change replaces serine, which is neutral and polar, with alanine, which is neutral and non-polar, at codon 225 of the UBE3A protein (p.Ser225Ala). This variant is present in population databases (rs760844102, gnomAD 0.02%). This variant has not been reported in the literature in individuals affected with UBE3A-related conditions. ClinVar contains an entry for this variant (Variation ID: 570995). Invitae Evidence Modeling of protein sequence and biophysical properties (such as structural, functional, and spatial information, amino acid conservation, physicochemical variation, residue mobility, and thermodynamic stability) indicates that this missense variant is not expected to disrupt UBE3A protein function with a negative predictive value of 80%. In summary, the available evidence is currently insufficient to determine the role of this variant in disease. Therefore, it has been classified as a Variant of Uncertain Significance.

GeneDx
Classification: Uncertain significance. Last evaluated: 2024-01-04. Review status: criteria provided, single submitter. Criteria: GeneDx Variant Classification Process June 2021. Collection method: clinical testing. Allele origin: germline. Affected: yes.
Comment: In silico analysis supports that this missense variant does not alter protein structure/function; Has not been previously published as pathogenic or benign to our knowledge

NM_130839.5(UBE3A):c.733T>G (p.Ser245Ala)

Genes: SNHG14 (small nucleolar RNA host gene 14; plus strand), UBE3A (ubiquitin protein ligase E3A; minus strand). Cytogenetic location: 15q11.2.
Variant type: single nucleotide variant.
Coding change: c.733T>G on transcript NM_130839.5 (MANE Select); coding-DNA position 733, T replaced by G.
Protein change: p.Ser245Ala; replaces serine 245 with alanine.
Molecular consequence: missense variant. On other transcripts: non-coding transcript variant (1), intron variant (2).
Genome position (GRCh38, 1-based): chr15:25,371,441, A>C on the plus strand (T>G on the coding strand, the complement: UBE3A is on the minus strand). VCF-style: chr15-25371441-A-C. GRCh37 (hg19) VCF-style: chr15-25616588-A-C.
Other names: c.742T>G, p.Ser248Ala (NM_000462.5); c.733T>G, p.Ser245Ala (NM_001354505.1, NM_001354538.2, NM_001354545.2); c.673T>G, p.Ser225Ala (NM_001354506.2, NM_001354507.2, NM_001354508.2 and 17 more transcripts); c.556T>G, p.Ser186Ala (NM_001354546.2); c.301+4024T>G (NM_001354551.2); c.361+4024T>G (NM_001354550.2); short protein forms S225A, S186A, S245A, S248A.
Identifiers: ClinVar variation 570995 (VCV000570995.11), dbSNP rs760844102, ClinGen allele CA7435594.